The following is an entry in ClinVar:

NM_001012339.3(DNAJC21):c.32G>C (p.Arg11Pro)

Genes: DNAJC21 (DnaJ heat shock protein family (Hsp40) member C21; plus strand), LOC129993792 (ATAC-STARR-seq lymphoblastoid silent region 15969; plus strand). Cytogenetic location: 5p13.2.
Variant type: single nucleotide variant.
Coding change: c.32G>C on transcript NM_001012339.3 (MANE Select); coding-DNA position 32, G replaced by C.
Protein change: p.Arg11Pro; replaces arginine 11 with proline.
Molecular consequence: missense variant.
Genome position (GRCh38, 1-based): chr5:34,929,851, G>C. VCF-style: chr5-34929851-G-C. GRCh37 (hg19) VCF-style: chr5-34929956-G-C.
Other names: c.32G>C, p.Arg11Pro (NM_001348420.2, NM_194283.4); short protein forms R11P.
Identifiers: ClinVar variation 2062915 (VCV002062915.4), dbSNP rs772171513, ClinGen allele CA3228311.
Genomic context (GRCh38, chr5:34,929,851, plus strand): 5'-CCAGCGCCGGCCGCCCGCCCGGTCGGGCGATGAAGTGTCACTATGAGGCGCTGGGGGTGC[G>C]GCGCGACGCCAGCGAGGAGGAGCTCAAGAAGGCCTATCGGAAGCTGGCCCTGAAATGGCA-3'
Protein context (NP_001012339.2, residues 1-21): MKCHYEALGV[Arg11Pro]RDASEEELKK

ClinVar aggregate classification (germline): Uncertain significance (1 of 4 stars; one submission).

gnomAD v4.1: 1 of 1,577,278 alleles (0.000063%); highest among the groups gnomAD compares: Non-Finnish European, 0.000086%; no homozygotes.

Submission:

Labcorp Genetics (formerly Invitae), Labcorp
Classification: Uncertain significance. Last evaluated: 2021-12-27. Review status: criteria provided, single submitter. Criteria: Invitae Variant Classification Sherloc (09022015). Collection method: clinical testing. Allele origin: germline.
Comment: Algorithms developed to predict the effect of missense changes on protein structure and function are either unavailable or do not agree on the potential impact of this missense change (SIFT: "Deleterious"; PolyPhen-2: "Benign"; Align-GVGD: "Class C0"). This sequence change replaces arginine, which is basic and polar, with proline, which is neutral and non-polar, at codon 11 of the DNAJC21 protein (p.Arg11Pro). This variant is present in population databases (rs772171513, gnomAD 0.001%). This variant has not been reported in the literature in individuals affected with DNAJC21-related conditions. In summary, the available evidence is currently insufficient to determine the role of this variant in disease. Therefore, it has been classified as a Variant of Uncertain Significance.